The following is an entry in ClinVar:

ClinVar aggregate classification (germline): Conflicting classifications of pathogenicity. Review status: criteria provided, conflicting classifications (1 of 4 stars). 2 submissions from 2 submitters: Uncertain significance (1); Likely benign (1). Last evaluated 2025-08-18.

Conditions:
MEGF10-related myopathy (CMYO10A). Also called: Congenital myopathy 10A, severe variant. Identifiers: Orphanet 439212, MedGen C3280679, MONDO:0013731, OMIM 614399.

Allele frequency attached by ClinVar (database versions not stated): ExAC 0.00001; gnomAD 0.00001; TOPMed 0.00001.
gnomAD v4.1: 10 of 1,613,406 alleles (0.00062%); highest among the groups gnomAD compares: South Asian, 0.0033%; no homozygotes.

Submissions (2):

Labcorp Genetics (formerly Invitae), Labcorp
Classification: Likely benign for MEGF10-related myopathy. Last evaluated: 2025-08-18. Review status: criteria provided, single submitter. Criteria: Invitae Variant Classification Sherloc (09022015). Collection method: clinical testing. Allele origin: germline.

CeGaT Center for Human Genetics Tuebingen
Classification: Uncertain significance. Last evaluated: 2024-04-01. Review status: criteria provided, single submitter. Criteria: CeGaT Center For Human Genetics Tuebingen Variant Classification Criteria Version 2. Collection method: clinical testing. Allele origin: germline. Affected: yes. Observed: 1 variant allele.
Comment: MEGF10: PM2, PM3:Supporting, BP4

NM_001256545.2(MEGF10):c.1427-6G>A

Gene: MEGF10 (multiple EGF like domains 10; plus strand). Cytogenetic location: 5q23.2.
Variant type: single nucleotide variant.
Coding change: c.1427-6G>A on transcript NM_001256545.2 (MANE Select); 6 bases into the intron before coding-DNA position 1427, G replaced by A.
Molecular consequence: intron variant.
Genome position (GRCh38, 1-based): chr5:127,420,038, G>A. VCF-style: chr5-127420038-G-A. GRCh37 (hg19) VCF-style: chr5-126755730-G-A.
Other names: c.1427-6G>A (NM_032446.3, NM_001308119.2, NM_001308121.2).
Identifiers: ClinVar variation 2080557 (VCV002080557.24), dbSNP rs754070045, ClinGen allele CA3391581.